The following is an entry in ClinVar:

ClinVar aggregate classification (germline): Likely benign (0 of 4 stars; one submission).

Conditions:
ESRP2-related disorder. Also called: ESRP2-related condition.

Allele frequency attached by ClinVar (database versions not stated): TOPMed 0.00005; gnomAD 0.00006; 1000 Genomes Project 30x 0.00016; 1000 Genomes Project 0.00020.
gnomAD v4.1: 162 of 1,610,012 alleles (0.01%); highest among the groups gnomAD compares: Middle Eastern, 0.083%; no homozygotes.

Submission:

PreventionGenetics, part of Exact Sciences
Classification: Likely benign for ESRP2-related condition. Last evaluated: 2019-03-06. Review status: no assertion criteria provided. Collection method: clinical testing. Allele origin: germline.
Comment: This variant is classified as likely benign based on ACMG/AMP sequence variant interpretation guidelines (Richards et al. 2015 PMID: 25741868, with internal and published modifications).

NM_024939.3(ESRP2):c.138C>G (p.Gly46=)

Gene: ESRP2 (epithelial splicing regulatory protein 2; minus strand). Cytogenetic location: 16q22.1.
Variant type: single nucleotide variant.
Coding change: c.138C>G on transcript NM_024939.3 (MANE Select); coding-DNA position 138, C replaced by G.
Protein change: p.Gly46=; no amino-acid change (glycine 46 retained).
Molecular consequence: synonymous variant.
Genome position (GRCh38, 1-based): chr16:68,235,908, G>C on the plus strand (C>G on the coding strand, the complement: ESRP2 is on the minus strand). VCF-style: chr16-68235908-G-C. GRCh37 (hg19) VCF-style: chr16-68269811-G-C.
Other names: c.138C>G, p.Gly46= (NM_001365264.1, NM_001365265.1).
Identifiers: ClinVar variation 3034521 (VCV003034521.2), dbSNP rs201768733, ClinGen allele CA8125704.